The following is an entry in ClinVar:

ClinVar aggregate classification (germline): Uncertain significance. Review status: criteria provided, multiple submitters, no conflicts (2 of 4 stars). 2 submissions from 2 submitters: Uncertain significance (2). Last evaluated 2025-08-20.

Conditions:
Cardiovascular phenotype. Identifiers: MedGen CN230736.

gnomAD v4.1: 26 of 1,551,892 alleles (0.0017%); highest among the groups gnomAD compares: Non-Finnish European, 0.0022%; 1 homozygote.

Submissions (2):

Labcorp Genetics (formerly Invitae), Labcorp
Classification: Uncertain significance. Last evaluated: 2025-08-20. Review status: criteria provided, single submitter. Criteria: Invitae Variant Classification Sherloc (09022015). Collection method: clinical testing. Allele origin: germline.
Comment: This sequence change replaces glycine, which is neutral and non-polar, with tryptophan, which is neutral and slightly polar, at codon 52 of the LOX protein (p.Gly52Trp). The frequency data for this variant in the population databases is considered unreliable, as metrics indicate poor data quality at this position in the gnomAD database. This variant has not been reported in the literature in individuals affected with LOX-related conditions. ClinVar contains an entry for this variant (Variation ID: 1775027). Invitae Evidence Modeling of protein sequence and biophysical properties (such as structural, functional, and spatial information, amino acid conservation, physicochemical variation, residue mobility, and thermodynamic stability) indicates that this missense variant is expected to disrupt LOX protein function with a positive predictive value of 95%. In summary, the available evidence is currently insufficient to determine the role of this variant in disease. Therefore, it has been classified as a Variant of Uncertain Significance.

Ambry Genetics
Classification: Uncertain significance for Cardiovascular phenotype. Last evaluated: 2025-05-18. Review status: criteria provided, single submitter. Criteria: Ambry Variant Classification Scheme 2023. Collection method: clinical testing. Allele origin: germline.
Comment: The p.G52W variant (also known as c.154G>T), located in coding exon 1 of the LOX gene, results from a G to T substitution at nucleotide position 154. The glycine at codon 52 is replaced by tryptophan, an amino acid with highly dissimilar properties. This amino acid position is conserved. In addition, the in silico prediction for this alteration is inconclusive. Since supporting evidence is limited at this time, the clinical significance of this alteration remains unclear.

NM_002317.7(LOX):c.154G>T (p.Gly52Trp)

Genes: LOX (lysyl oxidase; minus strand), SRFBP1 (serum response factor binding protein 1; plus strand). Cytogenetic location: 5q23.1.
Variant type: single nucleotide variant.
Coding change: c.154G>T on transcript NM_002317.7 (MANE Select); coding-DNA position 154, G replaced by T.
Protein change: p.Gly52Trp; replaces glycine 52 with tryptophan.
Molecular consequence: missense variant.
Genome position (GRCh38, 1-based): chr5:122,077,832, C>A on the plus strand (G>T on the coding strand, the complement: LOX is on the minus strand). VCF-style: chr5-122077832-C-A. GRCh37 (hg19) VCF-style: chr5-121413527-C-A.
Other names: short protein forms G52W.
Identifiers: ClinVar variation 1775027 (VCV001775027.5), dbSNP rs774886810, ClinGen allele CA125917564.